The following is an entry in ClinVar:

NM_001165963.4(SCN1A):c.514A>T (p.Lys172Ter)

Gene: SCN1A (sodium voltage-gated channel alpha subunit 1; minus strand). Cytogenetic location: 2q24.3.
Variant type: single nucleotide variant.
Coding change: c.514A>T on transcript NM_001165963.4 (MANE Select); coding-DNA position 514, A replaced by T.
Protein change: p.Lys172Ter; replaces lysine 172 with a stop codon.
Molecular consequence: nonsense. On other transcripts: 5 prime UTR variant (1), non-coding transcript variant (1).
Genome position (GRCh38, 1-based): chr2:166,054,726, T>A on the plus strand (A>T on the coding strand, the complement: SCN1A is on the minus strand). VCF-style: chr2-166054726-T-A. GRCh37 (hg19) VCF-style: chr2-166911236-T-A.
Other names: c.514A>T, p.Lys172Ter (NM_001202435.3, NM_001353948.2, NM_001353949.2 and 10 more transcripts); c.-1912A>T (NM_001353961.2); short protein forms K172*.
Identifiers: ClinVar variation 1181477 (VCV001181477.2), dbSNP rs1553551463, ClinGen allele CA349075594.

ClinVar aggregate classification (germline): Pathogenic (1 of 4 stars; one submission).

Submission:

GeneDx
Classification: Pathogenic. Last evaluated: 2019-07-18. Review status: criteria provided, single submitter. Criteria: GeneDx Variant Classification Process June 2021. Collection method: clinical testing. Allele origin: germline. Affected: yes.
Comment: Nonsense variant predicted to result in protein truncation or nonsense mediated decay in a gene for which loss-of-function is a known mechanism of disease; Not observed in large population cohorts (Lek et al., 2016); Has not been previously published as pathogenic or benign to our knowledge